The following is an entry in ClinVar:

NM_001271.4(CHD2):c.2648dup (p.Ile884fs)

Gene: CHD2 (chromodomain helicase DNA binding protein 2; plus strand). Cytogenetic location: 15q26.1.
Variant type: Duplication.
Coding change: c.2648dup on transcript NM_001271.4 (MANE Select); coding-DNA position 2648, one base duplicated (T; older notation c.2648dupT).
Protein change: p.Ile884fs; shifts the reading frame from isoleucine 884.
Molecular consequence: frameshift variant.
Genome position (GRCh38, 1-based): chr15:92,978,304, T duplicated. VCF-style (leftmost placement, unchanged base first): chr15-92978303-G-GT. GRCh37 (hg19) VCF-style: chr15-93521533-G-GT.
Other names: short protein forms I884fs.
Identifiers: ClinVar variation 2026017 (VCV002026017.4), dbSNP rs2505543222, ClinGen allele CA2580090327.
Genomic context (GRCh38, chr15:92,978,303, plus strand): 5'-TTCCTGCTCTCGACAAGGGCTGGTGGCCTGGGAATCAATTTGGCTTCAGCGGACACAGTC[G>GT]TCATCTTTGACTCTGACTGGAACCCCCAGAATGACTTGCAGGCACAAGCCCGAGCGCATA-3'

ClinVar aggregate classification (germline): Pathogenic (1 of 4 stars; one submission).

Conditions:
Developmental and epileptic encephalopathy 94 (DEE94). Also called: Epileptic encephalopathy, childhood-onset; CHD2-Related Neurodevelopmental Disorders. Identifiers: Orphanet 1942, Orphanet 2382, MedGen C3809278, MONDO:0014150, OMIM 615369.

Submission:

Labcorp Genetics (formerly Invitae), Labcorp
Classification: Pathogenic for Developmental and epileptic encephalopathy 94. Last evaluated: 2022-08-22. Review status: criteria provided, single submitter. Criteria: Invitae Variant Classification Sherloc (09022015). Collection method: clinical testing. Allele origin: germline.
Comment: For these reasons, this variant has been classified as Pathogenic. This variant has not been reported in the literature in individuals affected with CHD2-related conditions. This variant is not present in population databases (gnomAD no frequency). This sequence change creates a premature translational stop signal (p.Ile884Hisfs*3) in the CHD2 gene. It is expected to result in an absent or disrupted protein product. Loss-of-function variants in CHD2 are known to be pathogenic (PMID: 23708187, 24207121).

Literature cited by the submitters: PubMed 23708187; PubMed 24207121.